The following is an entry in ClinVar:

ClinVar aggregate classification (germline): Pathogenic (1 of 4 stars; one submission).

Conditions:
Marfan syndrome (MFS). Also called: MARFAN SYNDROME, TYPE I; Marfan syndrome type 1; Marfan's syndrome; Marfan syndrome, classic; FBN1-Related Marfan Syndrome. Identifiers: Orphanet 284963, Orphanet 558, MedGen C0024796, MONDO:0007947, OMIM 154700.
Familial thoracic aortic aneurysm and aortic dissection (TAAD). Also called: Thoracic aortic aneurysms and dissections. Identifiers: Orphanet 91387, MedGen C4707243, MONDO:0019625.

Submission:

Labcorp Genetics (formerly Invitae), Labcorp
Classification: Pathogenic for Marfan syndrome; Familial thoracic aortic aneurysm and aortic dissection. Last evaluated: 2021-10-27. Review status: criteria provided, single submitter. Criteria: Invitae Variant Classification Sherloc (09022015). Collection method: clinical testing. Allele origin: germline.
Comment: For these reasons, this variant has been classified as Pathogenic. This variant has not been reported in the literature in individuals affected with FBN1-related conditions. This variant is not present in population databases (gnomAD no frequency). This sequence change creates a premature translational stop signal (p.Gly171*) in the FBN1 gene. It is expected to result in an absent or disrupted protein product. Loss-of-function variants in FBN1 are known to be pathogenic (PMID: 17657824, 19293843).

Literature cited by the submitters: PubMed 17657824; PubMed 19293843.

NM_000138.5(FBN1):c.511G>T (p.Gly171Ter)

Gene: FBN1 (fibrillin 1; minus strand). Cytogenetic location: 15q21.1.
Variant type: single nucleotide variant.
Coding change: c.511G>T on transcript NM_000138.5 (MANE Select); coding-DNA position 511, G replaced by T.
Protein change: p.Gly171Ter; replaces glycine 171 with a stop codon.
Molecular consequence: nonsense.
Genome position (GRCh38, 1-based): chr15:48,596,310, C>A on the plus strand (G>T on the coding strand, the complement: FBN1 is on the minus strand). VCF-style: chr15-48596310-C-A. GRCh37 (hg19) VCF-style: chr15-48888507-C-A.
Other names: short protein forms G171*.
Identifiers: ClinVar variation 1451676 (VCV001451676.6), dbSNP rs1566934693, ClinGen allele CA392446278.